The following is an entry in ClinVar:

NM_000834.5(GRIN2B):c.1700T>G (p.Leu567Arg)

Gene: GRIN2B (glutamate ionotropic receptor NMDA type subunit 2B; minus strand). Cytogenetic location: 12p13.1.
Variant type: single nucleotide variant.
Coding change: c.1700T>G on transcript NM_000834.5 (MANE Select); coding-DNA position 1700, T replaced by G.
Protein change: p.Leu567Arg; replaces leucine 567 with arginine.
Molecular consequence: missense variant.
Genome position (GRCh38, 1-based): chr12:13,611,805, A>C on the plus strand (T>G on the coding strand, the complement: GRIN2B is on the minus strand). VCF-style: chr12-13611805-A-C. GRCh37 (hg19) VCF-style: chr12-13764739-A-C.
Other names: c.1700T>G, p.Leu567Arg (NM_001413992.1); short protein forms L567R.
Identifiers: ClinVar variation 2500338 (VCV002500338.1), dbSNP rs2497590478, ClinGen allele CA384051544.

ClinVar aggregate classification (germline): Uncertain significance (1 of 4 stars; one submission).

Conditions:
Intellectual developmental disorder, autosomal dominant 6, with or without seizures. Also called: GRIN2B-related developmental delay, intellectual disability and autism spectrum disorder; Intellectual disability, autosomal dominant 6. Identifiers: Orphanet 589547, MedGen C3151411, MONDO:0013509, OMIM 613970.

Submission:

Institute of Human Genetics, University of Leipzig Medical Center
Classification: Uncertain significance for Intellectual developmental disorder, autosomal dominant 6, with or without seizures. Last evaluated: 2023-02-28. Review status: criteria provided, single submitter. Criteria: ACMG Guidelines, 2015. Collection method: clinical testing. Allele origin: unknown. Affected: yes.
Comment: _x000D_ Criteria applied: PM1, PM2_SUP